The following is an entry in ClinVar:

ClinVar aggregate classification (germline): Benign/Likely benign. Review status: criteria provided, multiple submitters, no conflicts (2 of 4 stars). 4 submissions from 4 submitters: Benign (1); Likely benign (2). 1 of the submissions does not count toward it. Last evaluated 2026-01-15.

Conditions:
Inborn genetic diseases. Identifiers: MedGen C0950123, MeSH D030342.
Joubert syndrome 25 (JBTS25). Identifiers: Orphanet 475, MedGen C4084842, MONDO:0014770, OMIM 616781.
CEP104-related disorder. Also called: CEP104-related condition.

Allele frequency attached by ClinVar (database versions not stated): gnomAD exomes 0.00012 and 0.00054; gnomAD 0.00014 and 0.00019; TOPMed 0.00037; ExAC 0.00053; 1000 Genomes Project 30x 0.00109; 1000 Genomes Project 0.00120.
gnomAD v4.1: 203 of 1,614,162 alleles (0.013%); highest among the groups gnomAD compares: East Asian, 0.43%; no homozygotes.

Submissions (4):

Labcorp Genetics (formerly Invitae), Labcorp
Classification: Benign for Joubert syndrome 25. Last evaluated: 2026-01-15. Review status: criteria provided, single submitter. Criteria: Invitae Variant Classification Sherloc (09022015). Collection method: clinical testing. Allele origin: germline.

Blueprint Genetics
Classification: Likely benign. Last evaluated: 2023-10-05. Review status: criteria provided, single submitter. Criteria: ACMG Guidelines, 2015. Collection method: clinical testing. Allele origin: germline.

Ambry Genetics
Classification: Likely benign for Inborn genetic diseases. Last evaluated: 2023-09-12. Review status: criteria provided, single submitter. Criteria: Ambry Variant Classification Scheme 2023. Collection method: clinical testing. Allele origin: germline.

PreventionGenetics, part of Exact Sciences
Classification: Likely benign for CEP104-related condition. Last evaluated: 2019-04-12. Review status: no assertion criteria provided. Collection method: clinical testing. Allele origin: germline. Not counted in ClinVar's aggregate classification.
Comment: This variant is classified as likely benign based on ACMG/AMP sequence variant interpretation guidelines (Richards et al. 2015 PMID: 25741868, with internal and published modifications).

NM_014704.4(CEP104):c.2564G>A (p.Gly855Glu)

Gene: CEP104 (centrosomal protein 104; minus strand). Cytogenetic location: 1p36.32.
Variant type: single nucleotide variant.
Coding change: c.2564G>A on transcript NM_014704.4 (MANE Select); coding-DNA position 2564, G replaced by A.
Protein change: p.Gly855Glu; replaces glycine 855 with glutamic acid.
Molecular consequence: missense variant.
Genome position (GRCh38, 1-based): chr1:3,823,181, C>T on the plus strand (G>A on the coding strand, the complement: CEP104 is on the minus strand). VCF-style: chr1-3823181-C-T. GRCh37 (hg19) VCF-style: chr1-3739745-C-T.
Other names: c.2564G>A (NM_014704.3); short protein forms G855E.
Identifiers: ClinVar variation 1168388 (VCV001168388.14), dbSNP rs148840465, ClinGen allele CA551248.